The following is an entry in ClinVar:

NM_017636.4(TRPM4):c.657C>T (p.Asp219=)

Gene: TRPM4 (transient receptor potential cation channel subfamily M member 4; plus strand). Cytogenetic location: 19q13.33.
Variant type: single nucleotide variant.
Coding change: c.657C>T on transcript NM_017636.4 (MANE Select); coding-DNA position 657, C replaced by T.
Protein change: p.Asp219=; no amino-acid change (aspartic acid 219 retained).
Molecular consequence: synonymous variant. On other transcripts: 5 prime UTR variant (2).
Genome position (GRCh38, 1-based): chr19:49,168,597, C>T. VCF-style: chr19-49168597-C-T. GRCh37 (hg19) VCF-style: chr19-49671854-C-T.
Other names: c.657C>T, p.Asp219= (NM_001195227.2); c.312C>T, p.Asp104= (NM_001321281.2); c.-897C>T (NM_001321282.2); c.135C>T, p.Asp45= (NM_001321283.2); c.-193C>T (NM_001321285.2).
Identifiers: ClinVar variation 468942 (VCV000468942.45), dbSNP rs373953725, ClinGen allele CA9568906.

ClinVar aggregate classification (germline): Conflicting classifications of pathogenicity. Review status: criteria provided, conflicting classifications (1 of 4 stars). 6 submissions from 6 submitters: Uncertain significance (1); Benign (2); Likely benign (3). Last evaluated 2026-01-14.

Conditions:
Cardiovascular phenotype. Identifiers: MedGen CN230736.
Progressive familial heart block type IB (PFHB1B). Identifiers: Orphanet 871, MedGen C1970298, MONDO:0011474, OMIM 604559.

Allele frequency attached by ClinVar (database versions not stated): gnomAD 0.00007 and 0.00005; ESP Exome Variant Server 0.00008; TOPMed 0.00011; gnomAD exomes 0.00014.

Submissions (6):

Labcorp Genetics (formerly Invitae), Labcorp
Classification: Benign for Progressive familial heart block type IB. Last evaluated: 2026-01-14. Review status: criteria provided, single submitter. Criteria: Invitae Variant Classification Sherloc (09022015). Collection method: clinical testing. Allele origin: germline.

Blueprint Genetics
Classification: Likely benign. Last evaluated: 2024-07-16. Review status: criteria provided, single submitter. Criteria: ACMG Guidelines, 2015. Collection method: clinical testing. Allele origin: germline.

CeGaT Center for Human Genetics Tuebingen
Classification: Benign. Last evaluated: 2022-09-01. Review status: criteria provided, single submitter. Criteria: CeGaT Center For Human Genetics Tuebingen Variant Classification Criteria Version 2. Collection method: clinical testing. Allele origin: germline. Affected: yes. Observed: 1 variant allele.
Comment: TRPM4: BS1, BS2

GeneDx
Classification: Likely benign. Last evaluated: 2020-06-05. Review status: criteria provided, single submitter. Criteria: GeneDx Variant Classification Process June 2021. Collection method: clinical testing. Allele origin: germline. Affected: yes.

Illumina Laboratory Services, Illumina
Classification: Uncertain significance for Progressive familial heart block type IB. Last evaluated: 2018-01-13. Review status: criteria provided, single submitter. Criteria: ICSL Variant Classification Criteria 13 December 2019. Collection method: clinical testing. Allele origin: germline.

Ambry Genetics
Classification: Likely benign for Cardiovascular phenotype. Last evaluated: 2016-06-03. Review status: criteria provided, single submitter. Criteria: Ambry Variant Classification Scheme 2023. Collection method: clinical testing. Allele origin: germline.